The following is an entry in ClinVar:

NM_001349.4(DARS1):c.320A>G (p.Asn107Ser)

Gene: DARS1 (aspartyl-tRNA synthetase 1; minus strand). Cytogenetic location: 2q21.3.
Variant type: single nucleotide variant.
Coding change: c.320A>G on transcript NM_001349.4 (MANE Select); coding-DNA position 320, A replaced by G.
Protein change: p.Asn107Ser; replaces asparagine 107 with serine.
Molecular consequence: missense variant.
Genome position (GRCh38, 1-based): chr2:135,961,396, T>C on the plus strand (A>G on the coding strand, the complement: DARS1 is on the minus strand). VCF-style: chr2-135961396-T-C. GRCh37 (hg19) VCF-style: chr2-136718966-T-C.
Other names: c.20A>G, p.Asn7Ser (NM_001293312.1); short protein forms N107S, N7S.
Identifiers: ClinVar variation 1682564 (VCV001682564.6), dbSNP rs112319042, ClinGen allele CA56849492.
Genomic context (GRCh38, chr2:135,961,396, plus strand): 5'-CTGGGAGTCTTGGTTCCCACCATTGTTTATTCTGACAACAGGATATAATTGCTTACTTAC[T>C]TGGCAGCAAATTTAACCATCTGCTTGCTTGCATGGTCTCCCACCGCCACAAGAGCCTGGA-3'
Protein context (NP_001340.2, residues 97-117): ASKQMVKFAA[Asn107Ser]INKESIVDVE

ClinVar aggregate classification (germline): Uncertain significance (1 of 4 stars; one submission).

gnomAD v4.1: 2 of 1,289,092 alleles (0.00016%); highest among the groups gnomAD compares: South Asian, 0.0012%; no homozygotes.

Submission:

Labcorp Genetics (formerly Invitae), Labcorp
Classification: Uncertain significance. Last evaluated: 2023-08-17. Review status: criteria provided, single submitter. Criteria: Invitae Variant Classification Sherloc (09022015). Collection method: clinical testing. Allele origin: germline.
Comment: In summary, the available evidence is currently insufficient to determine the role of this variant in disease. Therefore, it has been classified as a Variant of Uncertain Significance. An algorithm developed to predict the effect of missense changes on protein structure and function (PolyPhen-2) suggests that this variant is likely to be tolerated. ClinVar contains an entry for this variant (Variation ID: 1682564). This variant has not been reported in the literature in individuals affected with DARS-related conditions. This variant is not present in population databases (gnomAD no frequency). This sequence change replaces asparagine, which is neutral and polar, with serine, which is neutral and polar, at codon 107 of the DARS protein (p.Asn107Ser).